The following is an entry in ClinVar:

ClinVar aggregate classification (germline): Benign (1 of 4 stars; one submission).

Conditions:
Tuberous sclerosis 2 (TSC2). Identifiers: Orphanet 805, MedGen C1860707, MONDO:0013199, OMIM 613254.

Submission:

Myriad Genetics, Inc.
Classification: Benign for Tuberous sclerosis 2. Last evaluated: 2025-05-30. Review status: criteria provided, single submitter. Criteria: Myriad Autosomal Dominant, Autosomal Recessive and X-Linked Classification Criteria (2023). Collection method: clinical testing. Allele origin: unknown.
Comment: This variant is considered benign. This variant is a silent/synonymous amino acid change and it is not expected to impact splicing.

NM_000548.5(TSC2):c.3627G>C (p.Leu1209=)

Gene: TSC2 (TSC complex subunit 2; plus strand). Cytogenetic location: 16p13.3.
Variant type: single nucleotide variant.
Coding change: c.3627G>C on transcript NM_000548.5 (MANE Select); coding-DNA position 3627, G replaced by C.
Protein change: p.Leu1209=; no amino-acid change (leucine 1209 retained).
Molecular consequence: synonymous variant. On other transcripts: non-coding transcript variant (5).
Genome position (GRCh38, 1-based): chr16:2,081,611, G>C. VCF-style: chr16-2081611-G-C. GRCh37 (hg19) VCF-style: chr16-2131612-G-C.
Other names: c.3495G>C, p.Leu1165= (NM_001077183.3, NM_001370404.1, NM_001406665.1); c.3627G>C, p.Leu1209= (NM_001114382.3); c.3387G>C, p.Leu1129= (NM_001318827.2); c.3351G>C, p.Leu1117= (NM_001318829.2); c.2895G>C, p.Leu965= (NM_001318831.2, NM_001406687.1, NM_001406688.1); c.3528G>C, p.Leu1176= (NM_001318832.2); c.3498G>C, p.Leu1166= (NM_001363528.2, NM_001370405.1, NM_021055.3); c.3624G>C, p.Leu1208= (NM_001406663.1, NM_001406664.1); and 18 more.
Identifiers: ClinVar variation 4071019 (VCV004071019.1).